The following is an entry in ClinVar:

ClinVar aggregate classification (germline): Uncertain significance. Review status: criteria provided, multiple submitters, no conflicts (2 of 4 stars). 2 submissions from 2 submitters: Uncertain significance (2). Last evaluated 2026-01-13.

Submissions (2):

Labcorp Genetics (formerly Invitae), Labcorp
Classification: Uncertain significance. Last evaluated: 2026-01-13. Review status: criteria provided, single submitter. Criteria: Invitae Variant Classification Sherloc (09022015). Collection method: clinical testing. Allele origin: germline.
Comment: This variant occurs in the SNORD118 gene, which encodes an RNA molecule that does not result in a protein product. Information on the frequency of this variant in the gnomAD database is not available, as this variant may be reported differently in the database. This variant has not been reported in the literature in individuals affected with SNORD118-related conditions. ClinVar contains an entry for this variant (Variation ID: 1991789). Experimental studies and prediction algorithms are not available or were not evaluated, and the functional significance of this variant is currently unknown. In summary, the available evidence is currently insufficient to determine the role of this variant in disease. Therefore, it has been classified as a Variant of Uncertain Significance.

Women's Health and Genetics/Laboratory Corporation of America, LabCorp
Classification: Uncertain significance. Last evaluated: 2024-06-13. Review status: criteria provided, single submitter. Criteria: LabCorp Variant Classification Summary - May 2015. Collection method: clinical testing. Allele origin: germline.
Comment: Variant summary: SNORD118 n.104_105delinsAT (aka. TMEM107 c.*718_*719delinsAT) alters two nucleotides in the non-coding RNA. The variant was not found in 759,882 control chromosomes in the gnomAD database (v4.1 dataset). On the other hand, this variant consists of two neighboring SNVs, n.104G>A and n.105A>T, and the component variants were reported at frequencies of 0.0.000447 and 0.64, respectively. However, the available data on variant occurrences in the general population are insufficient to allow any conclusion about variant significance. To our knowledge, no occurrence of n.104_105delinsAT in individuals affected with Leukoencephalopathy With Calcifications And Cysts and no experimental evidence demonstrating its impact on protein function have been reported. ClinVar contains an entry for this variant (Variation ID: 1991789). Based on the evidence outlined above, the variant was classified as uncertain significance.

NR_033294.2(SNORD118):n.104_105delinsAT

Genes: SNORD118 (small nucleolar RNA, C/D box 118; minus strand), TMEM107 (transmembrane protein 107; minus strand). Cytogenetic location: 17p13.1.
Variant type: Indel.
Molecular consequence: non-coding transcript variant (on NR_033294.2). On other transcripts: 3 prime UTR variant (5).
Genome position: GRCh38 VCF-style: chr17-8173484-TC-AT. GRCh37 (hg19) VCF-style: chr17-8076802-TC-AT.
Other names: c.*718_*719delinsAT (NM_001351278.2, NM_001351279.2, NM_001351280.2 and 2 more transcripts).
Identifiers: ClinVar variation 1991789 (VCV001991789.3), dbSNP rs2507709714, ClinGen allele CA2580094918.